The following is an entry in ClinVar:

NM_206933.4(USH2A):c.6574_6575del (p.Val2192fs)

Gene: USH2A (usherin; minus strand). Cytogenetic location: 1q41.
Variant type: Microsatellite.
Coding change: c.6574_6575del on transcript NM_206933.4 (MANE Select); coding-DNA positions 6574 to 6575, 2 bases deleted (GT; older notation c.6574_6575delGT).
Protein change: p.Val2192fs; shifts the reading frame from valine 2192.
Molecular consequence: frameshift variant.
Genome position (GRCh38, 1-based): chr1:215,998,969-215,998,970, AC deleted on the plus strand (GT on the coding strand, the reverse complement: USH2A is on the minus strand); deleting any 2 consecutive bases within chr1:215,998,969-215,998,972 gives the same sequence; the c. name uses the placement nearest the transcript's 3' end. VCF-style (leftmost placement, unchanged base first): chr1-215998968-GAC-G. GRCh37 (hg19) VCF-style: chr1-216172310-GAC-G.
Other names: short protein forms V2192fs.
Identifiers: ClinVar variation 4817137 (VCV004817137.1).
Genomic context (GRCh38, chr1:215,998,968, plus strand): 5'-ATTACCAGGTAAAACGTATTGTAGCATATGATCCTGGAAAAGTTCTGTACTGTTATAGAT[GAC>G]ACTCCAAATTGTAAAATCATGTGTATGGTTTGACATATATAATACATAGCGTTCCAGAAT-3'

ClinVar aggregate classification (germline): Likely pathogenic (1 of 4 stars; one submission).

Conditions:
Usher syndrome type 2A. Also called: RETINAL DISEASE IN USHER SYNDROME TYPE IIA, MODIFIER OF; USHER SYNDROME, TYPE IIA. Identifiers: Orphanet 231178, Orphanet 886, MedGen C1848634, MONDO:0010169, OMIM 276901.

Submission:

Natera, Inc.
Classification: Likely pathogenic for Usher syndrome type 2A. Last evaluated: 2024-10-25. Review status: criteria provided, single submitter. Criteria: Natera Variant Classification Schema (03/2026). Collection method: clinical testing. Allele origin: germline.
Comment: The c.6574_6575del variant in USH2A is a frameshift variant predicted to shift the reading frame beginning at codon 2192 and leads to a stop codon 3 codons downstream. This variant is expected to result in nonsense mediated decay, truncation, or a dysfunctional protein product. This variant is rare in the general population with a frequency below the threshold expected for the associated phenotype(s). Given the available evidence, this variant is classified as Likely Pathogenic.